The following is an entry in ClinVar:

ClinVar aggregate classification (germline): Pathogenic (1 of 4 stars; one submission).

Submission:

ISCA site 4
Classification: Pathogenic. Last evaluated: 2013-01-31. Review status: criteria provided, single submitter. Criteria: Kaminsky et al. (Genet Med. 2011). Collection method: clinical testing. Allele origin: unknown. Affected: yes. Observed: 7 variant alleles. Clinical features observed: Developmental delay AND/OR other significant developmental or morphological phenotypes, Global developmental delay (HP:0001263), Abnormality of cardiac morphology (HP:0001627).
Comment: Copy number variation identified through the course of routine clinical cytogenomic testing in postnatal populations. Clinical assertions have been curated as described in Kaminsky et al. 2011.

GRCh37/hg19 Yp11.31-q12(chrY:2654852-59031480)x2

Genes: SRY (sex determining region Y; minus strand), TBL1Y (transducin beta like 1 Y-linked; plus strand), TGIF2LY (TGFB induced factor homeobox 2 like Y-linked; plus strand), TMSB4Y (thymosin beta 4 Y-linked; plus strand), TSPY1 (testis specific protein Y-linked 1; plus strand) and 78 more. Cytogenetic location: Yp11.31-q12.
Variant type: copy number gain.
Change: copy number 2 of chrY:2,654,852-59,031,480 (56.38 Mb, GRCh37 coordinates, 1-based), cytogenetic band Yp11.31-q12.
Identifiers: ClinVar variation 161065 (VCV000161065.2).